The following is an entry in ClinVar:

ClinVar aggregate classification (germline): Uncertain significance (1 of 4 stars; one submission).

Conditions:
Hypertrophic cardiomyopathy 14. Identifiers: MedGen C2750467, MONDO:0013197, OMIM 613251.

Submission:

Labcorp Genetics (formerly Invitae), Labcorp
Classification: Uncertain significance for Hypertrophic cardiomyopathy 14. Last evaluated: 2021-07-30. Review status: criteria provided, single submitter. Criteria: Invitae Variant Classification Sherloc (09022015). Collection method: clinical testing. Allele origin: germline.
Comment: This variant has not been reported in the literature in individuals affected with MYH6-related conditions. This variant is not present in population databases (ExAC no frequency). This sequence change replaces glycine with serine at codon 349 of the MYH6 protein (p.Gly349Ser). The glycine residue is weakly conserved and there is a small physicochemical difference between glycine and serine. In summary, the available evidence is currently insufficient to determine the role of this variant in disease. Therefore, it has been classified as a Variant of Uncertain Significance. Algorithms developed to predict the effect of missense changes on protein structure and function output the following: SIFT: "Tolerated"; PolyPhen-2: "Benign"; Align-GVGD: "Class C0". The serine amino acid residue is found in multiple mammalian species, which suggests that this missense change does not adversely affect protein function.

NM_002471.4(MYH6):c.1045G>A (p.Gly349Ser)

Gene: MYH6 (myosin heavy chain 6; minus strand). Cytogenetic location: 14q11.2.
Variant type: single nucleotide variant.
Coding change: c.1045G>A on transcript NM_002471.4 (MANE Select); coding-DNA position 1045, G replaced by A.
Protein change: p.Gly349Ser; replaces glycine 349 with serine.
Molecular consequence: missense variant.
Genome position (GRCh38, 1-based): chr14:23,402,560, C>T on the plus strand (G>A on the coding strand, the complement: MYH6 is on the minus strand). VCF-style: chr14-23402560-C-T. GRCh37 (hg19) VCF-style: chr14-23871769-C-T.
Other names: short protein forms G349S.
Identifiers: ClinVar variation 1430038 (VCV001430038.6), dbSNP rs2138615221, ClinGen allele CA389026337.